The following is an entry in ClinVar:

NM_000081.4(LYST):c.8151+2T>C

Gene: LYST (lysosomal trafficking regulator; minus strand). Cytogenetic location: 1q42.3.
Variant type: single nucleotide variant.
Coding change: c.8151+2T>C on transcript NM_000081.4 (MANE Select); the canonical splice donor site of the intron after coding-DNA position 8151, T replaced by C.
Molecular consequence: splice donor variant.
Genome position (GRCh38, 1-based): chr1:235,743,977, A>G on the plus strand (T>C on the coding strand, the complement: LYST is on the minus strand). VCF-style: chr1-235743977-A-G. GRCh37 (hg19) VCF-style: chr1-235907277-A-G.
Other names: c.8151+2T>C (NM_001301365.1).
Identifiers: ClinVar variation 5000423 (VCV005000423.1).
Genomic context (GRCh38, chr1:235,743,977, plus strand): 5'-CAACATAAAACCTCTATTTCCTTTGTGTGAATGAACATTTCCCATGTAATTAATTTACTT[A>G]CAATAGATACTTTGAATCCTTCTACCAGATATGTAAAAATTTCTTTCTGAAATGGATTGA-3'

ClinVar aggregate classification (germline): Likely pathogenic (1 of 4 stars; one submission).

Conditions:
LYST-related disorder. Also called: LYST-related condition.

Submission:

PreventionGenetics, part of Exact Sciences
Classification: Likely pathogenic for LYST-related condition. Last evaluated: 2024-12-04. Review status: criteria provided, single submitter. Criteria: ACMG Guidelines, 2015. Collection method: clinical testing. Allele origin: germline.
Comment: The LYST c.8151+2T>C variant is predicted to disrupt the GT donor site and interfere with normal splicing. To our knowledge, this variant has not been reported in the literature or in a large population database (gnomAD), indicating this variant is rare. Variants that disrupt the consensus splice donor site in LYST are expected to be pathogenic. This variant is interpreted as likely pathogenic.